The following is an entry in ClinVar:

NM_000257.4(MYH7):c.4656G>T (p.Glu1552Asp)

Genes: MHRT (myosin heavy chain associated RNA transcript; plus strand), MYH7 (myosin heavy chain 7; minus strand), LOC126861897 (BRD4-independent group 4 enhancer GRCh37_chr14:23884455-23885654; plus strand). Cytogenetic location: 14q11.2.
Variant type: single nucleotide variant.
Coding change: c.4656G>T on transcript NM_000257.4 (MANE Select); coding-DNA position 4656, G replaced by T.
Protein change: p.Glu1552Asp; replaces glutamic acid 1552 with aspartic acid.
Molecular consequence: missense variant.
Genome position (GRCh38, 1-based): chr14:23,416,301, C>A on the plus strand (G>T on the coding strand, the complement: MYH7 is on the minus strand). VCF-style: chr14-23416301-C-A. GRCh37 (hg19) VCF-style: chr14-23885510-C-A.
Other names: short protein forms E1552D.
Identifiers: ClinVar variation 852384 (VCV000852384.10), dbSNP rs143471552, ClinGen allele CA043403.

ClinVar aggregate classification (germline): Uncertain significance (1 of 4 stars; one submission).

Conditions:
Hypertrophic cardiomyopathy. Also called: HYPERTROPHIC MYOCARDIOPATHY. Identifiers: Orphanet 217569, MedGen C0007194, MeSH D002312, MONDO:0005045, HP:0001639.

Allele frequency attached by ClinVar (database versions not stated): gnomAD exomes below 0.00001; ExAC 0.00001; ESP Exome Variant Server 0.00008.

Submission:

Labcorp Genetics (formerly Invitae), Labcorp
Classification: Uncertain significance for Hypertrophic cardiomyopathy. Last evaluated: 2024-05-25. Review status: criteria provided, single submitter. Criteria: Invitae Variant Classification Sherloc (09022015). Collection method: clinical testing. Allele origin: germline.
Comment: This sequence change replaces glutamic acid, which is acidic and polar, with aspartic acid, which is acidic and polar, at codon 1552 of the MYH7 protein (p.Glu1552Asp). This variant is not present in population databases (gnomAD no frequency). This variant has not been reported in the literature in individuals affected with MYH7-related conditions. ClinVar contains an entry for this variant (Variation ID: 852384). Advanced modeling of protein sequence and biophysical properties (such as structural, functional, and spatial information, amino acid conservation, physicochemical variation, residue mobility, and thermodynamic stability) performed at Invitae indicates that this missense variant is expected to disrupt MYH7 protein function with a positive predictive value of 95%. In summary, the available evidence is currently insufficient to determine the role of this variant in disease. Therefore, it has been classified as a Variant of Uncertain Significance.